The following is an entry in ClinVar:

NM_004260.4(RECQL4):c.862G>C (p.Gly288Arg)

Gene: RECQL4 (RecQ like helicase 4; minus strand). Cytogenetic location: 8q24.3.
Variant type: single nucleotide variant.
Coding change: c.862G>C on transcript NM_004260.4 (MANE Select); coding-DNA position 862, G replaced by C.
Protein change: p.Gly288Arg; replaces glycine 288 with arginine.
Molecular consequence: missense variant.
Genome position (GRCh38, 1-based): chr8:144,516,257, C>G on the plus strand (G>C on the coding strand, the complement: RECQL4 is on the minus strand). VCF-style: chr8-144516257-C-G. GRCh37 (hg19) VCF-style: chr8-145741641-C-G.
Other names: short protein forms G288R.
Identifiers: ClinVar variation 1437735 (VCV001437735.6), dbSNP rs199706417, ClinGen allele CA372688900.

ClinVar aggregate classification (germline): Uncertain significance (1 of 4 stars; one submission).

Conditions:
Baller-Gerold syndrome (BGS). Also called: CRANIOSYNOSTOSIS WITH RADIAL DEFECTS. Identifiers: Orphanet 1225, MedGen C0265308, MONDO:0009039, OMIM 218600.

Submission:

Labcorp Genetics (formerly Invitae), Labcorp
Classification: Uncertain significance for Baller-Gerold syndrome. Last evaluated: 2024-05-06. Review status: criteria provided, single submitter. Criteria: Invitae Variant Classification Sherloc (09022015). Collection method: clinical testing. Allele origin: germline.
Comment: This sequence change replaces glycine, which is neutral and non-polar, with arginine, which is basic and polar, at codon 288 of the RECQL4 protein (p.Gly288Arg). This variant is not present in population databases (gnomAD no frequency). This variant has not been reported in the literature in individuals affected with RECQL4-related conditions. ClinVar contains an entry for this variant (Variation ID: 1437735). Advanced modeling of protein sequence and biophysical properties (such as structural, functional, and spatial information, amino acid conservation, physicochemical variation, residue mobility, and thermodynamic stability) performed at Invitae indicates that this missense variant is not expected to disrupt RECQL4 protein function with a negative predictive value of 80%. In summary, the available evidence is currently insufficient to determine the role of this variant in disease. Therefore, it has been classified as a Variant of Uncertain Significance.